The following is an entry in ClinVar:

ClinVar aggregate classification (germline): Uncertain significance (1 of 4 stars; one submission).

Conditions:
Lethal multiple pterygium syndrome (LMPS). Identifiers: Orphanet 33108, MedGen C1854678, MONDO:0009668, OMIM 253290.

Allele frequency attached by ClinVar (database versions not stated): gnomAD 0.00003; TOPMed 0.00005.

Submission:

Labcorp Genetics (formerly Invitae), Labcorp
Classification: Uncertain significance for Lethal multiple pterygium syndrome. Last evaluated: 2024-06-09. Review status: criteria provided, single submitter. Criteria: Invitae Variant Classification Sherloc (09022015). Collection method: clinical testing. Allele origin: germline.
Comment: This sequence change replaces glutamic acid, which is acidic and polar, with aspartic acid, which is acidic and polar, at codon 366 of the CHRND protein (p.Glu366Asp). This variant is present in population databases (rs773082507, gnomAD 0.02%). This variant has not been reported in the literature in individuals affected with CHRND-related conditions. Advanced modeling of protein sequence and biophysical properties (such as structural, functional, and spatial information, amino acid conservation, physicochemical variation, residue mobility, and thermodynamic stability) performed at Invitae indicates that this missense variant is not expected to disrupt CHRND protein function with a negative predictive value of 80%. In summary, the available evidence is currently insufficient to determine the role of this variant in disease. Therefore, it has been classified as a Variant of Uncertain Significance.

NM_000751.3(CHRND):c.1098G>C (p.Glu366Asp)

Gene: CHRND (cholinergic receptor nicotinic delta subunit; plus strand). Cytogenetic location: 2q37.1.
Variant type: single nucleotide variant.
Coding change: c.1098G>C on transcript NM_000751.3 (MANE Select); coding-DNA position 1098, G replaced by C.
Protein change: p.Glu366Asp; replaces glutamic acid 366 with aspartic acid.
Molecular consequence: missense variant.
Genome position (GRCh38, 1-based): chr2:232,533,981, G>C. VCF-style: chr2-232533981-G-C. GRCh37 (hg19) VCF-style: chr2-233398691-G-C.
Other names: c.1053G>C, p.Glu351Asp (NM_001256657.2); c.516G>C, p.Glu172Asp (NM_001311195.2); c.795G>C, p.Glu265Asp (NM_001311196.2); short protein forms E351D, E366D, E265D, E172D.
Identifiers: ClinVar variation 2724233 (VCV002724233.3), dbSNP rs773082507, ClinGen allele CA2168264.